The following is an entry in ClinVar:

ClinVar aggregate classification (germline): Uncertain significance (1 of 4 stars; one submission).

gnomAD v4.1: 2 of 1,605,040 alleles (0.00012%); highest among the groups gnomAD compares: African/African-American, 0.0027%; no homozygotes.

Submission:

Labcorp Genetics (formerly Invitae), Labcorp
Classification: Uncertain significance. Last evaluated: 2026-01-18. Review status: criteria provided, single submitter. Criteria: Invitae Variant Classification Sherloc (09022015). Collection method: clinical testing. Allele origin: germline.
Comment: This sequence change replaces threonine, which is neutral and polar, with arginine, which is basic and polar, at codon 83 of the HOXD13 protein (p.Thr83Arg). This variant is not present in population databases (gnomAD no frequency). This variant has not been reported in the literature in individuals affected with HOXD13-related conditions. Invitae Evidence Modeling of protein sequence and biophysical properties (such as structural, functional, and spatial information, amino acid conservation, physicochemical variation, residue mobility, and thermodynamic stability) indicates that this missense variant is not expected to disrupt HOXD13 protein function with a negative predictive value of 80%. In summary, the available evidence is currently insufficient to determine the role of this variant in disease. Therefore, it has been classified as a Variant of Uncertain Significance.

NM_000523.4(HOXD13):c.248C>G (p.Thr83Arg)

Gene: HOXD13 (homeobox D13; plus strand). Cytogenetic location: 2q31.1.
Variant type: single nucleotide variant.
Coding change: c.248C>G on transcript NM_000523.4 (MANE Select); coding-DNA position 248, C replaced by G.
Protein change: p.Thr83Arg; replaces threonine 83 with arginine.
Molecular consequence: missense variant.
Genome position (GRCh38, 1-based): chr2:176,093,138, C>G. VCF-style: chr2-176093138-C-G. GRCh37 (hg19) VCF-style: chr2-176957866-C-G.
Other names: short protein forms T83R.
Identifiers: ClinVar variation 4739016 (VCV004739016.1).